The following is an entry in ClinVar:

NM_015041.3(CLUAP1):c.134+4C>G

Gene: CLUAP1 (clusterin associated protein 1; plus strand). Cytogenetic location: 16p13.3.
Variant type: single nucleotide variant.
Coding change: c.134+4C>G on transcript NM_015041.3 (MANE Select); 4 bases into the intron after coding-DNA position 134, C replaced by G.
Molecular consequence: intron variant.
Genome position (GRCh38, 1-based): chr16:3,504,835, C>G. VCF-style: chr16-3504835-C-G. GRCh37 (hg19) VCF-style: chr16-3554835-C-G.
Other names: c.134+4C>G (NM_001330454.2).
Identifiers: ClinVar variation 4698420 (VCV004698420.1).

ClinVar aggregate classification (germline): Uncertain significance (1 of 4 stars; one submission).

gnomAD v4.1: 23 of 1,515,574 alleles (0.0015%); highest among the groups gnomAD compares: Non-Finnish European, 0.002%; no homozygotes.

Submission:

Labcorp Genetics (formerly Invitae), Labcorp
Classification: Uncertain significance. Last evaluated: 2025-08-09. Review status: criteria provided, single submitter. Criteria: Invitae Variant Classification Sherloc (09022015). Collection method: clinical testing. Allele origin: germline.
Comment: This sequence change falls in intron 2 of the CLUAP1 gene. It does not directly change the encoded amino acid sequence of the CLUAP1 protein. It affects a nucleotide within the consensus splice site. This variant is present in population databases (rs375525130, gnomAD 0.002%). This variant has not been reported in the literature in individuals affected with CLUAP1-related conditions. Variants that disrupt the consensus splice site are a relatively common cause of aberrant splicing (PMID: 17576681, 9536098). Algorithms developed to predict the effect of sequence changes on RNA splicing suggest that this variant is not likely to affect RNA splicing. In summary, the available evidence is currently insufficient to determine the role of this variant in disease. Therefore, it has been classified as a Variant of Uncertain Significance.

Literature cited by the submitters: PubMed 17576681; PubMed 9536098.